The following is an entry in ClinVar:

ClinVar aggregate classification (germline): Uncertain significance. Review status: criteria provided, multiple submitters, no conflicts (2 of 4 stars). 2 submissions from 2 submitters: Uncertain significance (2). Last evaluated 2025-07-18.

Conditions:
EVC-related disorder. Also called: EVC-related condition; EVC-related disorders.
Ellis-van Creveld syndrome (EVC). Also called: Chondroectodermal dysplasia; MESOECTODERMAL DYSPLASIA. Identifiers: Orphanet 289, MedGen C0013903, MONDO:0009162, OMIM 225500.
Curry-Hall syndrome (WAD). Also called: WEYERS ACRODENTAL DYSOSTOSIS. Identifiers: Orphanet 952, MedGen C0457013, MONDO:0008673, OMIM 193530.

Submissions (2):

PreventionGenetics, part of Exact Sciences
Classification: Uncertain significance for EVC-related condition. Last evaluated: 2025-07-18. Review status: criteria provided, single submitter. Criteria: ACMG Guidelines, 2015. Collection method: clinical testing. Allele origin: germline.
Comment: The EVC c.2967_2969delAAG variant is predicted to result in an in-frame deletion (p.Arg989del). To our knowledge, this variant has not been reported in the literature. This variant is reported in 0.081% of alleles in individuals of African descent in gnomAD. Although we suspect that this variant may be benign, at this time, the clinical significance of this variant is uncertain due to the absence of conclusive functional and genetic evidence.

Labcorp Genetics (formerly Invitae), Labcorp
Classification: Uncertain significance for Curry-Hall syndrome; Ellis-van Creveld syndrome. Last evaluated: 2022-08-05. Review status: criteria provided, single submitter. Criteria: Invitae Variant Classification Sherloc (09022015). Collection method: clinical testing. Allele origin: germline.
Comment: This variant, c.2967_2969del, results in the deletion of 1 amino acid(s) of the EVC protein (p.Arg989del), but otherwise preserves the integrity of the reading frame. This variant is present in population databases (rs777071486, gnomAD 0.08%). This variant has not been reported in the literature in individuals affected with EVC-related conditions. Experimental studies and prediction algorithms are not available or were not evaluated, and the functional significance of this variant is currently unknown. In summary, the available evidence is currently insufficient to determine the role of this variant in disease. Therefore, it has been classified as a Variant of Uncertain Significance.

NM_153717.3(EVC):c.2964AAG[1] (p.Arg989del)

Gene: EVC (EvC ciliary complex subunit 1; plus strand). Cytogenetic location: 4p16.2.
Variant type: Microsatellite.
Coding change: c.2964AAG[1] on transcript NM_153717.3 (MANE Select); one copy of the 3-base unit AAG starting at c.2964; the reference has two copies in a row; one copy, 3 bases deleted.
Protein change: p.Arg989del; deletes arginine 989.
Molecular consequence: inframe deletion.
Genome position (GRCh38, 1-based): chr4:5,811,025-5,811,027, AAG deleted; deleting any 3 consecutive bases within chr4:5,811,020-5,811,027 gives the same sequence; the position shown is the placement nearest the transcript's 3' end. VCF-style (leftmost placement, unchanged base first): chr4-5811019-GAGA-G. GRCh37 (hg19) VCF-style: chr4-5812746-GAGA-G.
Other names: c.2967_2969delAAG (NM_153717.2); c.2961AAG[1], p.Arg988del (NM_001306090.2); short protein forms R989del, R988del.
Identifiers: ClinVar variation 2037294 (VCV002037294.2), dbSNP rs777071486, ClinGen allele CA2836775.